The following is an entry in ClinVar:

NM_145290.4(ADGRA3):c.3377A>G (p.His1126Arg)

Gene: ADGRA3 (adhesion G protein-coupled receptor A3; minus strand). Cytogenetic location: 4p15.2.
Variant type: single nucleotide variant.
Coding change: c.3377A>G on transcript NM_145290.4 (MANE Select); coding-DNA position 3377, A replaced by G.
Protein change: p.His1126Arg; replaces histidine 1126 with arginine.
Molecular consequence: missense variant.
Genome position (GRCh38, 1-based): chr4:22,388,294, T>C on the plus strand (A>G on the coding strand, the complement: ADGRA3 is on the minus strand). VCF-style: chr4-22388294-T-C. GRCh37 (hg19) VCF-style: chr4-22389917-T-C.
Other names: c.3377A>G (NM_145290.2); short protein forms H1126R.
Identifiers: ClinVar variation 972635 (VCV000972635.13), dbSNP rs774910758, ClinGen allele CA2873383.

ClinVar aggregate classification (germline): Uncertain significance. Review status: criteria provided, multiple submitters, no conflicts (2 of 4 stars). 2 submissions from 2 submitters: Uncertain significance (2). Last evaluated 2025-08-04.

Allele frequency attached by ClinVar (database versions not stated): gnomAD exomes 0.00002; ExAC 0.00003; gnomAD 0.00003 and 0.00004; TOPMed 0.00004.
gnomAD v4.1: 28 of 1,614,012 alleles (0.0017%); highest among the groups gnomAD compares: Admixed American, 0.005%; no homozygotes.

Submissions (2):

Ambry Genetics
Classification: Uncertain significance. Last evaluated: 2025-08-04. Review status: criteria provided, single submitter. Criteria: Ambry Variant Classification Scheme 2023. Collection method: clinical testing. Allele origin: germline.

Labcorp Genetics (formerly Invitae), Labcorp
Classification: Uncertain significance. Last evaluated: 2024-02-19. Review status: criteria provided, single submitter. Criteria: Invitae Variant Classification Sherloc (09022015). Collection method: clinical testing. Allele origin: germline.
Comment: This sequence change replaces histidine, which is basic and polar, with arginine, which is basic and polar, at codon 1126 of the ADGRA3 protein (p.His1126Arg). This variant is present in population databases (rs774910758, gnomAD 0.004%). This variant has not been reported in the literature in individuals affected with ADGRA3-related conditions. ClinVar contains an entry for this variant (Variation ID: 972635). An algorithm developed to predict the effect of missense changes on protein structure and function (PolyPhen-2) suggests that this variant is likely to be tolerated. In summary, the available evidence is currently insufficient to determine the role of this variant in disease. Therefore, it has been classified as a Variant of Uncertain Significance.